The following is an entry in ClinVar:

ClinVar aggregate classification (germline): Pathogenic (1 of 4 stars; one submission).

Conditions:
Hereditary cancer-predisposing syndrome. Also called: Hereditary Cancer Syndrome; Neoplastic Syndromes, Hereditary; Hereditary neoplastic syndrome; Tumor predisposition. Identifiers: Orphanet 140162, MedGen C0027672, MeSH D009386, MONDO:0015356.

Submission:

Ambry Genetics
Classification: Pathogenic for Hereditary cancer-predisposing syndrome. Last evaluated: 2023-11-03. Review status: criteria provided, single submitter. Criteria: Ambry Variant Classification Scheme 2023. Collection method: clinical testing. Allele origin: germline.
Comment: The p.Y272* pathogenic mutation (also known as c.816C>G), located in coding exon 6 of the STK11 gene, results from a C to G substitution at nucleotide position 816. This changes the amino acid from a tyrosine to a stop codon within coding exon 6. This alteration is expected to result in loss of function by premature protein truncation or nonsense-mediated mRNA decay. As such, this alteration is interpreted as a disease-causing mutation.

Literature cited by the submitters: PubMed 16707622.

NM_000455.5(STK11):c.816C>G (p.Tyr272Ter)

Gene: STK11 (serine/threonine kinase 11; plus strand). Cytogenetic location: 19p13.3.
Variant type: single nucleotide variant.
Coding change: c.816C>G on transcript NM_000455.5 (MANE Select); coding-DNA position 816, C replaced by G.
Protein change: p.Tyr272Ter; replaces tyrosine 272 with a stop codon.
Molecular consequence: nonsense.
Genome position (GRCh38, 1-based): chr19:1,221,294, C>G. VCF-style: chr19-1221294-C-G. GRCh37 (hg19) VCF-style: chr19-1221293-C-G.
Other names: short protein forms Y272*.
Identifiers: ClinVar variation 428747 (VCV000428747.5), dbSNP rs9282859, ClinGen allele CA402950616.